The following is an entry in ClinVar:

ClinVar aggregate classification (germline): Uncertain significance (1 of 4 stars; one submission).

Allele frequency attached by ClinVar (database versions not stated): gnomAD exomes 0.00001; ExAC 0.00002; gnomAD 0.00001; TOPMed 0.00002.
gnomAD v4.1: 19 of 1,613,986 alleles (0.0012%); highest among the groups gnomAD compares: South Asian, 0.0022%; no homozygotes.

Submission:

Labcorp Genetics (formerly Invitae), Labcorp
Classification: Uncertain significance. Last evaluated: 2022-10-17. Review status: criteria provided, single submitter. Criteria: Invitae Variant Classification Sherloc (09022015). Collection method: clinical testing. Allele origin: germline.
Comment: In summary, the available evidence is currently insufficient to determine the role of this variant in disease. Therefore, it has been classified as a Variant of Uncertain Significance. Algorithms developed to predict the effect of missense changes on protein structure and function are either unavailable or do not agree on the potential impact of this missense change (SIFT: "Not Available"; PolyPhen-2: "Probably Damaging"; Align-GVGD: "Not Available"). ClinVar contains an entry for this variant (Variation ID: 1505192). This variant has not been reported in the literature in individuals affected with ADAMTS18-related conditions. This variant is present in population databases (rs759678579, gnomAD 0.003%). This sequence change replaces alanine, which is neutral and non-polar, with threonine, which is neutral and polar, at codon 158 of the ADAMTS18 protein (p.Ala158Thr).

NM_199355.4(ADAMTS18):c.472G>A (p.Ala158Thr)

Gene: ADAMTS18 (ADAM metallopeptidase with thrombospondin type 1 motif 18; minus strand). Cytogenetic location: 16q23.1.
Variant type: single nucleotide variant.
Coding change: c.472G>A on transcript NM_199355.4 (MANE Select); coding-DNA position 472, G replaced by A.
Protein change: p.Ala158Thr; replaces alanine 158 with threonine.
Molecular consequence: missense variant. On other transcripts: 5 prime UTR variant (1).
Genome position (GRCh38, 1-based): chr16:77,431,318, C>T on the plus strand (G>A on the coding strand, the complement: ADAMTS18 is on the minus strand). VCF-style: chr16-77431318-C-T. GRCh37 (hg19) VCF-style: chr16-77465215-C-T.
Other names: c.-49G>A (NM_001326358.2); short protein forms A158T.
Identifiers: ClinVar variation 1505192 (VCV001505192.4), dbSNP rs759678579, ClinGen allele CA8181675.